The following is an entry in ClinVar:

ClinVar aggregate classification (germline): Benign. Review status: criteria provided, multiple submitters, no conflicts (2 of 4 stars). 2 submissions from 2 submitters: Benign (2). Last evaluated 2017-05-09.

Allele frequency attached by ClinVar (database versions not stated): 1000 Genomes Project 0.71166; gnomAD exomes 0.71198 and 0.72716; 1000 Genomes Project 30x 0.71518; ExAC 0.72522; gnomAD 0.76256 and 0.77004; TOPMed 0.76923; ESP Exome Variant Server 0.79010.
gnomAD v4.1: 1,176,472 of 1,610,476 alleles (73%); highest among the groups gnomAD compares: African/African-American, 88%; 433,111 homozygotes.

Submissions (2):

GeneDx
Classification: Benign. Last evaluated: 2017-05-09. Review status: criteria provided, single submitter. Criteria: GeneDx Variant Classification (06012015). Collection method: clinical testing. Allele origin: germline. Affected: yes.
Comment: This variant is considered likely benign or benign based on one or more of the following criteria: it is a conservative change, it occurs at a poorly conserved position in the protein, it is predicted to be benign by multiple in silico algorithms, and/or has population frequency not consistent with disease.

Breakthrough Genomics
Classification: Benign. Review status: criteria provided, single submitter. Criteria: ACMG Guidelines, 2015. Collection method: not provided. Allele origin: germline. Inheritance: Unknown mechanism. Affected: yes.

NM_001080779.2(MYO1C):c.2477A>G (p.Gln826Arg)

Gene: MYO1C (myosin IC; minus strand). Cytogenetic location: 17p13.3.
Variant type: single nucleotide variant.
Coding change: c.2477A>G on transcript NM_001080779.2 (MANE Select); coding-DNA position 2477, A replaced by G.
Protein change: p.Gln826Arg; replaces glutamine 826 with arginine.
Molecular consequence: missense variant.
Genome position (GRCh38, 1-based): chr17:1,470,224, T>C on the plus strand (A>G on the coding strand, the complement: MYO1C is on the minus strand). VCF-style: chr17-1470224-T-C. GRCh37 (hg19) VCF-style: chr17-1373518-T-C.
Other names: c.2420A>G, p.Gln807Arg (NM_001080950.2); c.2405A>G, p.Gln802Arg (NM_001363855.1); c.2372A>G, p.Gln791Arg (NM_033375.5); short protein forms Q791R, Q826R, Q802R, Q807R.
Identifiers: ClinVar variation 508101 (VCV000508101.2), dbSNP rs9905106, ClinGen allele CA8266981.
Genomic context (GRCh38, chr17:1,470,224, plus strand): 5'-TGCCCACAGACCTCACGCAGGGCAGGTGGGGGCGTGGGCCACGAGGTGTCCAGGACATTC[T>C]GGGGCAGCTGCCGCCTCAGGTTTAGCAAAAAAGAGGTGCGCACATGGTCCAGGAAGAAGG-3'
Protein context (NP_001074248.1, residues 816-836): FLLNLRRQLP[Gln826Arg]NVLDTSWPTP